The following is an entry in ClinVar:

NM_000875.5(IGF1R):c.2209_2240del (p.Arg737fs)

Gene: IGF1R (insulin like growth factor 1 receptor; plus strand). Cytogenetic location: 15q26.3.
Variant type: Deletion.
Coding change: c.2209_2240del on transcript NM_000875.5 (MANE Select); coding-DNA positions 2209 to 2240, 32 bases deleted.
Protein change: p.Arg737fs; shifts the reading frame from arginine 737.
Molecular consequence: frameshift variant.
Genome position (GRCh38, 1-based): chr15:98,922,155-98,922,186, 32 bases deleted; deleting any 32 consecutive bases within chr15:98,922,153-98,922,186 gives the same sequence; the c. name uses the placement nearest the transcript's 3' end. GRCh37 (hg19): chr15:99,465,384-99,465,415.
Other names: c.2209_2240del, p.Arg737fs (NM_001291858.2); short protein forms R737fs.
Identifiers: ClinVar variation 4850018 (VCV004850018.1).

ClinVar aggregate classification (germline): Likely pathogenic (1 of 4 stars; one submission).

Conditions:
Growth delay due to insulin-like growth factor I resistance. Also called: Insulin-Like Growth Factor I Resistance; Somatomedin end-organ insensitivity to; Somatomedin-c resistance to; IGF-1 resistance; IGF-I RESISTANCE. Identifiers: Orphanet 73273, MedGen C1849157, MONDO:0010038, OMIM 270450.

Submission:

Variantyx, Inc.
Classification: Likely pathogenic for Growth delay due to insulin-like growth factor I resistance. Last evaluated: 2025-12-19. Review status: criteria provided, single submitter. Criteria: Variantyx Assertion Criteria 2022. Collection method: clinical testing. Allele origin: germline. Inheritance: Autosomal dominant inheritance. Affected: yes.
Comment: This is a frameshift variant in the IGF1R gene (OMIM: 147370). Pathogenic variants in this gene have been associated with autosomal dominant or autosomal recessive resistance to insulin-like growth factor I. This variant introduces a premature termination codon in exon 11 out of 21 and is expected to result in loss of function, which is a known disease mechanism for IGF1R in this disorder (PMID: 28395282) (PVS1). This variant is absent from control populations (PM2), and it has not been reported in individuals with IGF1R-related disorders in the databases available for review. Based on the current evidence, this variant is classified as likely pathogenic for autosomal dominant or autosomal recessive resistance to insulin-like growth factor I. Inter- and intrafamilial clinical variability have been described (PMID: 33113547, 28395282).

Literature cited by the submitters: PubMed 28395282; PubMed 33113547.